The following is an entry in ClinVar:

ClinVar aggregate classification (germline): Uncertain significance (1 of 4 stars; one submission).

Allele frequency attached by ClinVar (database versions not stated): gnomAD exomes below 0.00001; TOPMed below 0.00001.

Submission:

Labcorp Genetics (formerly Invitae), Labcorp
Classification: Uncertain significance. Last evaluated: 2023-08-29. Review status: criteria provided, single submitter. Criteria: Invitae Variant Classification Sherloc (09022015). Collection method: clinical testing. Allele origin: germline.
Comment: In summary, the available evidence is currently insufficient to determine the role of this variant in disease. Therefore, it has been classified as a Variant of Uncertain Significance. Algorithms developed to predict the effect of missense changes on protein structure and function output the following: SIFT: "Not Available"; PolyPhen-2: "Possibly Damaging"; Align-GVGD: "Not Available". The threonine amino acid residue is found in multiple mammalian species, which suggests that this missense change does not adversely affect protein function. This variant has not been reported in the literature in individuals affected with UNC119-related conditions. This variant is not present in population databases (gnomAD no frequency). This sequence change replaces alanine, which is neutral and non-polar, with threonine, which is neutral and polar, at codon 17 of the UNC119 protein (p.Ala17Thr).

NM_005148.4(UNC119):c.49G>A (p.Ala17Thr)

Genes: UNC119 (unc-119 lipid binding chaperone; minus strand), LOC130060555 (ATAC-STARR-seq lymphoblastoid silent region 8343; plus strand). Cytogenetic location: 17q11.2.
Variant type: single nucleotide variant.
Coding change: c.49G>A on transcript NM_005148.4 (MANE Select); coding-DNA position 49, G replaced by A.
Protein change: p.Ala17Thr; replaces alanine 17 with threonine.
Molecular consequence: missense variant. On other transcripts: 5 prime UTR variant (1).
Genome position (GRCh38, 1-based): chr17:28,552,509, C>T on the plus strand (G>A on the coding strand, the complement: UNC119 is on the minus strand). VCF-style: chr17-28552509-C-T. GRCh37 (hg19) VCF-style: chr17-26879527-C-T.
Other names: c.-265G>A (NM_001330166.2); c.49G>A, p.Ala17Thr (NM_054035.2); short protein forms A17T.
Identifiers: ClinVar variation 2958562 (VCV002958562.3), dbSNP rs2070286820, ClinGen allele CA398336767.